The following is an entry in ClinVar:

ClinVar aggregate classification (germline): Uncertain significance (1 of 4 stars; one submission).

Submission:

Ambry Genetics
Classification: Uncertain significance. Last evaluated: 2026-04-19. Review status: criteria provided, single submitter. Criteria: Ambry Variant Classification Scheme 2023. Collection method: clinical testing. Allele origin: germline.
Comment: The p.I589F variant (also known as c.1765A>T), located in coding exon 1 of the TET2 gene, results from an A to T substitution at nucleotide position 1765. The isoleucine at codon 589 is replaced by phenylalanine, an amino acid with highly similar properties. This amino acid position is conserved. In addition, this alteration is predicted to be tolerated by in silico analysis. Based on the available evidence, the clinical significance of this variant remains unclear.

NM_001127208.3(TET2):c.1765A>T (p.Ile589Phe)

Genes: TET2 (tet methylcytosine dioxygenase 2; plus strand), TET2-AS1 (TET2 antisense RNA 1; minus strand). Cytogenetic location: 4q24.
Variant type: single nucleotide variant.
Coding change: c.1765A>T on transcript NM_001127208.3 (MANE Select); coding-DNA position 1765, A replaced by T.
Protein change: p.Ile589Phe; replaces isoleucine 589 with phenylalanine.
Molecular consequence: missense variant.
Genome position (GRCh38, 1-based): chr4:105,235,707, A>T. VCF-style: chr4-105235707-A-T. GRCh37 (hg19) VCF-style: chr4-106156864-A-T.
Other names: c.1765A>T, p.Ile589Phe (NM_017628.4); short protein forms I589F.
Identifiers: ClinVar variation 4865545 (VCV004865545.1).
Genomic context (GRCh38, chr4:105,235,707, plus strand): 5'-GCCCCTCGTTTTCACCAAGCGGAATCCCATCTAAAACGTAATGAGGCATCACTGCCATCA[A>T]TTCTTCAGTATCAACCCAATCTCTCCAATCAAATGACCTCCAAACAATACACTGGAAATT-3'
Protein context (NP_001120680.1, residues 579-599): LKRNEASLPS[Ile589Phe]LQYQPNLSNQ